The following is an entry in ClinVar:

NM_001369.3(DNAH5):c.9967A>G (p.Met3323Val)

Gene: DNAH5 (dynein axonemal heavy chain 5; minus strand). Cytogenetic location: 5p15.2.
Variant type: single nucleotide variant.
Coding change: c.9967A>G on transcript NM_001369.3 (MANE Select); coding-DNA position 9967, A replaced by G.
Protein change: p.Met3323Val; replaces methionine 3323 with valine.
Molecular consequence: missense variant.
Genome position (GRCh38, 1-based): chr5:13,766,110, T>C on the plus strand (A>G on the coding strand, the complement: DNAH5 is on the minus strand). VCF-style: chr5-13766110-T-C. GRCh37 (hg19) VCF-style: chr5-13766219-T-C.
Other names: short protein forms M3323V.
Identifiers: ClinVar variation 454821 (VCV000454821.9), dbSNP rs1554039465, ClinGen allele CA359200175.

ClinVar aggregate classification (germline): Uncertain significance (1 of 4 stars; one submission).

Conditions:
Primary ciliary dyskinesia. Also called: Ciliary dyskinesia. Identifiers: Orphanet 244, MedGen C0008780, MONDO:0016575, HP:0012265.

Allele frequency attached by ClinVar (database versions not stated): gnomAD exomes below 0.00001.
gnomAD v4.1: 1 of 1,614,192 alleles (0.000062%); highest among the groups gnomAD compares: Non-Finnish European, 0.000085%; no homozygotes.

Submission:

Labcorp Genetics (formerly Invitae), Labcorp
Classification: Uncertain significance for Primary ciliary dyskinesia. Last evaluated: 2017-07-13. Review status: criteria provided, single submitter. Criteria: Invitae Variant Classification Sherloc (09022015). Collection method: clinical testing. Allele origin: germline.
Comment: This variant is not present in population databases (ExAC no frequency). This sequence change replaces methionine with valine at codon 3323 of the DNAH5 protein (p.Met3323Val). The methionine residue is highly conserved and there is a small physicochemical difference between methionine and valine. This variant has not been reported in the literature in individuals with DNAH5-related disease. In summary, the available evidence is currently insufficient to determine the role of this variant in disease. Therefore, it has been classified as a Variant of Uncertain Significance. Algorithms developed to predict the effect of missense changes on protein structure and function (SIFT, PolyPhen-2, Align-GVGD) all suggest that this variant is likely to be tolerated, but these predictions have not been confirmed by published functional studies and their clinical significance is uncertain.